The following is an entry in ClinVar:

ClinVar aggregate classification (germline): Pathogenic (1 of 4 stars; one submission).

Conditions:
Primary ciliary dyskinesia. Also called: Ciliary dyskinesia. Identifiers: Orphanet 244, MedGen C0008780, MONDO:0016575, HP:0012265.

Submission:

Labcorp Genetics (formerly Invitae), Labcorp
Classification: Pathogenic for Primary ciliary dyskinesia. Last evaluated: 2019-10-02. Review status: criteria provided, single submitter. Criteria: Invitae Variant Classification Sherloc (09022015). Collection method: clinical testing. Allele origin: germline.
Comment: This sequence change creates a premature translational stop signal (p.Trp1733*) in the DNAH11 gene. It is expected to result in an absent or disrupted protein product. This variant is not present in population databases (ExAC no frequency). This variant has not been reported in the literature in individuals with DNAH11-related conditions. Loss-of-function variants in DNAH11 are known to be pathogenic (PMID: 18022865, 20513915, 22184204). For these reasons, this variant has been classified as Pathogenic.

Literature cited by the submitters: PubMed 18022865; PubMed 20513915; PubMed 22184204.

NM_001277115.2(DNAH11):c.5199G>A (p.Trp1733Ter)

Gene: DNAH11 (dynein axonemal heavy chain 11; plus strand). Cytogenetic location: 7p15.3.
Variant type: single nucleotide variant.
Coding change: c.5199G>A on transcript NM_001277115.2 (MANE Select); coding-DNA position 5199, G replaced by A.
Protein change: p.Trp1733Ter; replaces tryptophan 1733 with a stop codon.
Molecular consequence: nonsense.
Genome position (GRCh38, 1-based): chr7:21,658,902, G>A. VCF-style: chr7-21658902-G-A. GRCh37 (hg19) VCF-style: chr7-21698520-G-A.
Other names: short protein forms W1733*.
Identifiers: ClinVar variation 971123 (VCV000971123.8), dbSNP rs1782130455, ClinGen allele CA366939773.
Genomic context (GRCh38, chr7:21,658,902, plus strand): 5'-GGTGCGTCATTCTATAACAGAAGCCATAGTGGCCTACGAGGAAAAACCTAGGGAACTGTG[G>A]ATTTTTGATTTCCCAGCTCAGGTTGCACTAACCAGCTCACAAATATGGTGGACCACAGAT-3'